The following is an entry in ClinVar:

NM_024598.4(USB1):c.358C>T (p.His120Tyr)

Gene: USB1 (U6 snRNA biogenesis phosphodiesterase 1; plus strand). Cytogenetic location: 16q21.
Variant type: single nucleotide variant.
Coding change: c.358C>T on transcript NM_024598.4 (MANE Select); coding-DNA position 358, C replaced by T.
Protein change: p.His120Tyr; replaces histidine 120 with tyrosine.
Molecular consequence: missense variant.
Genome position (GRCh38, 1-based): chr16:58,010,021, C>T. VCF-style: chr16-58010021-C-T. GRCh37 (hg19) VCF-style: chr16-58043925-C-T.
Other names: c.358C>T, p.His120Tyr (NM_001195302.2, NM_001204911.2, NM_001330569.2); c.205C>T, p.His69Tyr (NM_001330568.2); short protein forms H120Y, H69Y.
Identifiers: ClinVar variation 2861321 (VCV002861321.3), dbSNP rs752648429, ClinGen allele CA8084885.

ClinVar aggregate classification (germline): Uncertain significance (1 of 4 stars; one submission).

Allele frequency attached by ClinVar (database versions not stated): ExAC 0.00001.
gnomAD v4.1: 1 of 1,614,098 alleles (0.000062%); no homozygotes.

Submission:

Labcorp Genetics (formerly Invitae), Labcorp
Classification: Uncertain significance. Last evaluated: 2024-06-17. Review status: criteria provided, single submitter. Criteria: Invitae Variant Classification Sherloc (09022015). Collection method: clinical testing. Allele origin: germline.
Comment: This sequence change replaces histidine, which is basic and polar, with tyrosine, which is neutral and polar, at codon 120 of the USB1 protein (p.His120Tyr). This variant is present in population databases (rs752648429, gnomAD 0.0009%). This variant has not been reported in the literature in individuals affected with USB1-related conditions. Advanced modeling of protein sequence and biophysical properties (such as structural, functional, and spatial information, amino acid conservation, physicochemical variation, residue mobility, and thermodynamic stability) performed at Invitae indicates that this missense variant is expected to disrupt USB1 protein function with a positive predictive value of 80%. In summary, the available evidence is currently insufficient to determine the role of this variant in disease. Therefore, it has been classified as a Variant of Uncertain Significance.